The following is an entry in ClinVar:

NM_000038.6(APC):c.7877C>G (p.Thr2626Ser)

Gene: APC (APC regulator of Wnt signaling pathway; plus strand). Cytogenetic location: 5q22.2.
Variant type: single nucleotide variant.
Coding change: c.7877C>G on transcript NM_000038.6 (MANE Select); coding-DNA position 7877, C replaced by G.
Protein change: p.Thr2626Ser; replaces threonine 2626 with serine.
Molecular consequence: missense variant.
Genome position (GRCh38, 1-based): chr5:112,843,471, C>G. VCF-style: chr5-112843471-C-G. GRCh37 (hg19) VCF-style: chr5-112179168-C-G.
Other names: c.7877C>G, p.Thr2626Ser (NM_001127510.3, NM_001354895.2); c.7823C>G, p.Thr2608Ser (NM_001127511.3); c.7931C>G, p.Thr2644Ser (NM_001354896.2); c.7907C>G, p.Thr2636Ser (NM_001354897.2); c.7802C>G, p.Thr2601Ser (NM_001354898.2); c.7793C>G, p.Thr2598Ser (NM_001354899.2); c.7754C>G, p.Thr2585Ser (NM_001354900.2); c.7700C>G, p.Thr2567Ser (NM_001354901.2); and 5 more; short protein forms T2500S, T2535S, T2636S, T2567S, T2598S, T2608S, T2626S, T2525S.
Identifiers: ClinVar variation 827303 (VCV000827303.7), dbSNP rs730881268, ClinGen allele CA16038449.
Genomic context (GRCh38, chr5:112,843,471, plus strand): 5'-TATCCGCAAAAGGAACATGGAGAAAAATAAAAGAAAATGAATTTTCTCCCACAAATAGTA[C>G]TTCTCAGACCGTTTCCTCAGGTGCTACAAATGGTGCTGAATCAAAGACTCTAATTTATCA-3'
Protein context (NP_000029.2, residues 2616-2636): KENEFSPTNS[Thr2626Ser]SQTVSSGATN

ClinVar aggregate classification (germline): Uncertain significance. Review status: criteria provided, multiple submitters, no conflicts (2 of 4 stars). 2 submissions from 2 submitters: Uncertain significance (2). Last evaluated 2025-08-05.

Conditions:
Familial adenomatous polyposis 1 (FAP1). Also called: POLYPOSIS, ADENOMATOUS INTESTINAL; FAMILIAL ADENOMATOUS POLYPOSIS 1, ATTENUATED. Identifiers: MedGen C2713442, MONDO:0021056, OMIM 175100. Disease mechanism: loss of function.
Hereditary cancer-predisposing syndrome. Also called: Neoplastic Syndromes, Hereditary; Tumor predisposition; Hereditary neoplastic syndrome; Hereditary Cancer Syndrome. Identifiers: Orphanet 140162, MedGen C0027672, MeSH D009386, MONDO:0015356.

gnomAD v4.1: 1 of 1,613,918 alleles (0.000062%); highest among the groups gnomAD compares: Non-Finnish European, 0.000085%; no homozygotes.

Submissions (2):

Labcorp Genetics (formerly Invitae), Labcorp
Classification: Uncertain significance for Familial adenomatous polyposis 1. Last evaluated: 2025-08-05. Review status: criteria provided, single submitter. Criteria: Invitae Variant Classification Sherloc (09022015). Collection method: clinical testing. Allele origin: germline.
Comment: This sequence change replaces threonine, which is neutral and polar, with serine, which is neutral and polar, at codon 2626 of the APC protein (p.Thr2626Ser). This variant is not present in population databases (gnomAD no frequency). This variant has not been reported in the literature in individuals affected with APC-related conditions. ClinVar contains an entry for this variant (Variation ID: 827303). Invitae Evidence Modeling of protein sequence and biophysical properties (such as structural, functional, and spatial information, amino acid conservation, physicochemical variation, residue mobility, and thermodynamic stability) indicates that this missense variant is not expected to disrupt APC protein function with a negative predictive value of 95%. In summary, the available evidence is currently insufficient to determine the role of this variant in disease. Therefore, it has been classified as a Variant of Uncertain Significance.

Ambry Genetics
Classification: Uncertain significance for Hereditary cancer-predisposing syndrome. Last evaluated: 2022-08-18. Review status: criteria provided, single submitter. Criteria: Ambry Variant Classification Scheme 2023. Collection method: clinical testing. Allele origin: germline.
Comment: The p.T2626S variant (also known as c.7877C>G), located in coding exon 15 of the APC gene, results from a C to G substitution at nucleotide position 7877. The threonine at codon 2626 is replaced by serine, an amino acid with similar properties. This amino acid position is not well conserved in available vertebrate species. In addition, in silico predictors for this gene do not accurately predict pathogenicity. Since supporting evidence is limited at this time, the clinical significance of this alteration remains unclear.